The following is an entry in ClinVar:

NM_080425.4(GNAS):c.974T>C (p.Met325Thr)

Gene: GNAS (GNAS complex locus; plus strand). Cytogenetic location: 20q13.32.
Variant type: single nucleotide variant.
Coding change: c.974T>C on transcript NM_080425.4 (MANE Plus Clinical); coding-DNA position 974, T replaced by C.
Protein change: p.Met325Thr; replaces methionine 325 with threonine.
Molecular consequence: missense variant. On other transcripts: intron variant (3).
Genome position (GRCh38, 1-based): chr20:58,854,239, T>C. VCF-style: chr20-58854239-T-C. GRCh37 (hg19) VCF-style: chr20-57429294-T-C.
Other names: c.787T>C, p.Trp263Arg (NM_001077490.3, NM_001309883.1); c.974T>C, p.Met325Thr (NM_001410913.1); c.*42+13353T>C (NM_016592.5); c.43+13353T>C (NM_001410912.1); c.-39+12364T>C (NM_001309861.2); short protein forms M325T, W263R.
Identifiers: ClinVar variation 4991953 (VCV004991953.1).

ClinVar aggregate classification (germline): Uncertain significance (1 of 4 stars; one submission).

Conditions:
GNAS-related disorder. Identifiers: MedGen CN380105.

Submission:

PreventionGenetics, part of Exact Sciences
Classification: Uncertain significance for GNAS-related condition. Last evaluated: 2026-05-13. Review status: criteria provided, single submitter. Criteria: ACMG Guidelines, 2015. Collection method: clinical testing. Allele origin: germline.
Comment: The GNAS c.974T>C variant is predicted to result in the amino acid substitution p.Met325Thr. To our knowledge, this variant has not been reported in the literature or in a large population database (gnomAD), indicating this variant is rare. At this time, the clinical significance of this variant is uncertain due to the absence of conclusive functional and genetic evidence.